The following is an entry in ClinVar:

ClinVar aggregate classification (germline): Pathogenic (1 of 4 stars; one submission).

Conditions:
Inborn genetic diseases. Identifiers: MedGen C0950123, MeSH D030342.

Submission:

Ambry Genetics
Classification: Pathogenic for Inborn genetic diseases. Last evaluated: 2018-01-26. Review status: criteria provided, single submitter. Criteria: Ambry Variant Classification Scheme 2023. Collection method: clinical testing. Allele origin: germline.
Comment: The c.788_791dupACGT pathogenic mutation, located in coding exon 4 of the EPM2A gene, results from a duplication of ACGT at nucleotide position 788, causing a translational frameshift with a predicted alternate stop codon (p.H265Rfs*43). This alteration is expected to result in loss of function by premature protein truncation or nonsense-mediated mRNA decay. As such, this alteration is interpreted as a disease-causing mutation.

NM_005670.4(EPM2A):c.788_791dup (p.His265fs)

Gene: EPM2A (EPM2A glucan phosphatase, laforin; minus strand). Cytogenetic location: 6q24.3.
Variant type: Duplication.
Coding change: c.788_791dup on transcript NM_005670.4 (MANE Select); coding-DNA positions 788 to 791, 4 bases duplicated (ACGT; older notation c.788_791dupACGT).
Protein change: p.His265fs; shifts the reading frame from histidine 265.
Molecular consequence: frameshift variant. On other transcripts: non-coding transcript variant (1).
Genome position (GRCh38, 1-based): chr6:145,627,621-145,627,624, ACGT duplicated on the plus strand (ACGT on the coding strand, the reverse complement: EPM2A is on the minus strand); duplicating any 4 consecutive bases within chr6:145,627,621-145,627,626 gives the same sequence; the c. name uses the placement nearest the transcript's 3' end. VCF-style (leftmost placement, unchanged base first): chr6-145627620-C-CACGT. GRCh37 (hg19) VCF-style: chr6-145948756-C-CACGT.
Other names: c.788_791dup, p.His265fs (NM_001018041.2); c.546_549dup, p.Ala184fs (NM_001360057.2); c.374_377dup, p.His127fs (NM_001360064.2, NM_001360071.2, NM_001368131.1); c.326_329dup, p.His111fs (NM_001368129.2, NM_001368132.1); short protein forms A184fs, H127fs, H265fs, H111fs.
Identifiers: ClinVar variation 1761008 (VCV001761008.2), dbSNP rs2533595069, ClinGen allele CA2580075177.
Genomic context (GRCh38, chr6:145,627,620, plus strand): 5'-CACATACTGGAGCCAGCCGCAGACAGCCGCGGTGGAGCGGCCCACCCCAGCGTTGCAGTG[C>CACGT]ACGTACACGATGTGTCCCTTCTCCAGCAGCGCATGCAGCAGGCACACCGCCTGGGGCAGC-3'